The following is an entry in ClinVar:

NM_001292063.2(OTOG):c.1313C>T (p.Ala438Val)

Gene: OTOG (otogelin; plus strand). Cytogenetic location: 11p15.1.
Variant type: single nucleotide variant.
Coding change: c.1313C>T on transcript NM_001292063.2 (MANE Select); coding-DNA position 1313, C replaced by T.
Protein change: p.Ala438Val; replaces alanine 438 with valine.
Molecular consequence: missense variant.
Genome position (GRCh38, 1-based): chr11:17,559,633, C>T. VCF-style: chr11-17559633-C-T. GRCh37 (hg19) VCF-style: chr11-17581180-C-T.
Other names: c.1349C>T, p.Ala450Val (NM_001277269.2); short protein forms A438V, A450V.
Identifiers: ClinVar variation 3665011 (VCV003665011.3).
Genomic context (GRCh38, chr11:17,559,633, plus strand): 5'-GCATCGCCTGCTGCCCTGCCTCCTGCCATCCCCGGGCATCCTGTGTGGACAGTGAGATCG[C>T]CTGTGTGGACGGCTGCTATTGCCCCAATGGTATGCTAGGGGCAGACGTAGGTGCCTGGCA-3'
Protein context (NP_001278992.1, residues 428-448): PRASCVDSEI[Ala438Val]CVDGCYCPNG

ClinVar aggregate classification (germline): Uncertain significance. Review status: criteria provided, multiple submitters, no conflicts (2 of 4 stars). 2 submissions from 2 submitters: Uncertain significance (2). Last evaluated 2024-03-07.

gnomAD v4.1: 32 of 1,550,752 alleles (0.0021%); highest among the groups gnomAD compares: Admixed American, 0.063%; no homozygotes.

Submissions (2):

Labcorp Genetics (formerly Invitae), Labcorp
Classification: Uncertain significance. Last evaluated: 2024-03-07. Review status: criteria provided, single submitter. Criteria: Invitae Variant Classification Sherloc (09022015). Collection method: clinical testing. Allele origin: germline.
Comment: This sequence change replaces alanine, which is neutral and non-polar, with valine, which is neutral and non-polar, at codon 450 of the OTOG protein (p.Ala450Val). This variant is present in population databases (no rsID available, gnomAD 0.1%). This variant has not been reported in the literature in individuals affected with OTOG-related conditions. An algorithm developed to predict the effect of missense changes on protein structure and function (PolyPhen-2) suggests that this variant is likely to be tolerated. In summary, the available evidence is currently insufficient to determine the role of this variant in disease. Therefore, it has been classified as a Variant of Uncertain Significance.

Blueprint Genetics
Classification: Uncertain significance. Last evaluated: 2019-02-15. Review status: criteria provided, single submitter. Criteria: ACMG Guidelines, 2015. Collection method: clinical testing. Allele origin: germline.